The following is an entry in ClinVar:

NM_000276.4(OCRL):c.1595A>G (p.His532Arg)

Gene: OCRL (OCRL inositol polyphosphate-5-phosphatase; plus strand). Cytogenetic location: Xq26.1.
Variant type: single nucleotide variant.
Coding change: c.1595A>G on transcript NM_000276.4 (MANE Select); coding-DNA position 1595, A replaced by G.
Protein change: p.His532Arg; replaces histidine 532 with arginine.
Molecular consequence: missense variant.
Genome position (GRCh38, 1-based): chrX:129,569,392, A>G. VCF-style: chrX-129569392-A-G. GRCh37 (hg19) VCF-style: chrX-128703369-A-G.
Other names: c.1598A>G, p.His533Arg (NM_001318784.2); c.1595A>G, p.His532Arg (NM_001587.4); short protein forms H532R, H533R.
Identifiers: ClinVar variation 2779175 (VCV002779175.3), dbSNP rs2521906557, ClinGen allele CA414616579.

ClinVar aggregate classification (germline): Uncertain significance (1 of 4 stars; one submission).

Conditions:
Lowe syndrome (OCRL). Also called: LOWE OCULOCEREBRORENAL SYNDROME; PHOSPHATIDYLINOSITOL 4,5-BISPHOSPHATE 5-PHOSPHATASE DEFICIENCY; Oculocerebrorenal Syndrome. Identifiers: Orphanet 534, MedGen C0028860, MONDO:0010645, OMIM 309000.

Submission:

Labcorp Genetics (formerly Invitae), Labcorp
Classification: Uncertain significance for Lowe syndrome. Last evaluated: 2023-11-06. Review status: criteria provided, single submitter. Criteria: Invitae Variant Classification Sherloc (09022015). Collection method: clinical testing. Allele origin: germline.
Comment: This sequence change replaces histidine, which is basic and polar, with arginine, which is basic and polar, at codon 532 of the OCRL protein (p.His532Arg). This variant is not present in population databases (gnomAD no frequency). This variant has not been reported in the literature in individuals affected with OCRL-related conditions. Advanced modeling of protein sequence and biophysical properties (such as structural, functional, and spatial information, amino acid conservation, physicochemical variation, residue mobility, and thermodynamic stability) performed at Invitae indicates that this missense variant is not expected to disrupt OCRL protein function with a negative predictive value of 95%. In summary, the available evidence is currently insufficient to determine the role of this variant in disease. Therefore, it has been classified as a Variant of Uncertain Significance.